The following is an entry in ClinVar:

NM_007294.4(BRCA1):c.1116G>C (p.Trp372Cys)

Gene: BRCA1 (BRCA1 DNA repair associated; minus strand). Cytogenetic location: 17q21.31.
Variant type: single nucleotide variant.
Coding change: c.1116G>C on transcript NM_007294.4 (MANE Select); coding-DNA position 1116, G replaced by C.
Protein change: p.Trp372Cys; replaces tryptophan 372 with cysteine.
Molecular consequence: missense variant. On other transcripts: intron variant (137).
Genome position (GRCh38, 1-based): chr17:43,094,415, C>G on the plus strand (G>C on the coding strand, the complement: BRCA1 is on the minus strand). VCF-style: chr17-43094415-C-G. GRCh37 (hg19) VCF-style: chr17-41246432-C-G.
Other names: c.1116G>C, p.Trp372Cys (NM_001407618.1, NM_001407619.1, NM_001407620.1 and 30 more transcripts); c.975G>C, p.Trp325Cys (NM_007297.4, NM_001407695.1, NM_001407696.1 and 29 more transcripts); c.646+329G>C (NM_001408458.1, NM_001408469.1, NM_001408453.1 and 11 more transcripts); c.283+329G>C (NM_001408512.1); c.406+329G>C (NM_001408510.1); c.643+329G>C (NM_001408470.1, NM_001408464.1, NM_001408468.1 and 3 more transcripts); c.784+329G>C (NM_001408397.1, NM_001408401.1, NM_001408396.1 and 13 more transcripts); c.664+329G>C (NM_001408436.1, NM_001408444.1, NM_001408438.1 and 12 more transcripts); and 40 more; short protein forms W204C, W244C, W245C, W260C, W261C, W283C, W284C, W301C.
Identifiers: ClinVar variation 4856562 (VCV004856562.2).

ClinVar aggregate classification (germline): Conflicting classifications of pathogenicity. Review status: criteria provided, conflicting classifications (1 of 4 stars). 2 submissions from 2 submitters: Uncertain significance (1); Likely benign (1). Last evaluated 2026-06-22.

Conditions:
Breast-ovarian cancer, familial, susceptibility to, 1 (BROVCA1). Also called: BRCA1 Hereditary Breast and Ovarian Cancer; OVARIAN CANCER, SUSCEPTIBILITY TO. Identifiers: Orphanet 145, MedGen C2676676, MONDO:0011450, OMIM 604370. Disease mechanism: loss of function.
Hereditary cancer-predisposing syndrome. Also called: Neoplastic Syndromes, Hereditary; Tumor predisposition; Hereditary Cancer Syndrome; Hereditary neoplastic syndrome. Identifiers: Orphanet 140162, MedGen C0027672, MeSH D009386, MONDO:0015356.

gnomAD v4.1: 1 of 1,614,146 alleles (0.000062%); highest among the groups gnomAD compares: Non-Finnish European, 0.000085%; no homozygotes.

Submissions (2):

Ambry Genetics
Classification: Uncertain significance for Hereditary cancer-predisposing syndrome. Last evaluated: 2026-06-22. Review status: criteria provided, single submitter. Criteria: Ambry Variant Classification Scheme 2023. Collection method: clinical testing. Allele origin: germline.
Comment: The p.W372C variant (also known as c.1116G>C), located in coding exon 9 of the BRCA1 gene, results from a G to C substitution at nucleotide position 1116. The tryptophan at codon 372 is replaced by cysteine, an amino acid with highly dissimilar properties. This amino acid position is well conserved in available vertebrate species. In addition, this alteration is predicted to be deleterious by in silico analysis. Based on the available evidence, the clinical significance of this variant remains unclear.

Cancer Bioinformatics and Tumour Evolution Laboratory, Monash University
Classification: Likely benign for Breast-ovarian cancer, familial, susceptibility to, 1. Last evaluated: 2026-05-01. Review status: criteria provided, single submitter. Criteria: ClinGen BRCA1 and BRCA2 Guidelines, 2024. Collection method: curation. Allele origin: germline. Inheritance: Autosomal dominant inheritance.
Comment: Missense variant outside of a functional domain with no splice impact. BRCA1 and BRCA2 VCEP guidelines recommend application of BP1_Strong (PMID: 39142283)